The following is an entry in ClinVar:

ClinVar aggregate classification (germline): Likely pathogenic (1 of 4 stars; one submission).

Conditions:
Creatine transporter deficiency (CCDS1). Also called: Mental retardation , X-linked with seizures, short stature and midface hypoplasia; Mental retardation , X-linked, with creatine transport deficiency; X-linked creatine transporter deficiency; X-linked creatine deficiency syndrome; CEREBRAL CREATINE DEFICIENCY SYNDROME 1; SLC6A8-Related Creatine Transporter Deficiency. Identifiers: Orphanet 52503, MedGen C1845862, MONDO:0010305, OMIM 300352.

Submission:

Division of Genetic & Genomic Pathology, Hong Kong Children's Hospital
Classification: Likely pathogenic for Creatine transporter deficiency. Last evaluated: 2025-10-24. Review status: criteria provided, single submitter. Criteria: ACMG Guidelines, 2015. Collection method: clinical testing. Allele origin: germline. Affected: yes.
Comment: The hemizygous 291 bp duplication detected in chromosome X involves part of exon 9 and extends to part of intron 10 of the SLC6A8 gene (NM_005629.4). Hemizygous loss of function variants in SLC6A8 are responsible for creatine transport deficiency in males (ClinGen Dosage ID: ISCA-30394). The whole SLC6A8 gene is within a known segmental duplication region, but similar copy number gains have not been reported in population databases (gnomAD SVs v4.1.0 and gnomAD CNVs v.4.1.0). For these reasons, this duplication is classified as LIKELY PATHOGENIC.

NM_005629.4(SLC6A8):c.1348_1496-20dup

Gene: SLC6A8 (solute carrier family 6 member 8; plus strand). Cytogenetic location: Xq28.
Variant type: Duplication.
Coding change: c.1348_1496-20dup on transcript NM_005629.4 (MANE Select); coding-DNA position 1348 through 20 bases into the intron before coding-DNA position 1496, 291 bases duplicated.
Molecular consequence: splice acceptor variant, splice donor variant.
Genome position (GRCh38, 1-based): chrX:153,694,223-153,694,513, 291 bases duplicated. GRCh37 (hg19): chrX:152,959,678-152,959,968.
Other names: c.1318_1466-20dup (NM_001142805.2); c.1003_1151-20dup (NM_001142806.1).
Identifiers: ClinVar variation 5020093 (VCV005020093.1).